The following is an entry in ClinVar:

ClinVar aggregate classification (germline): Uncertain significance (1 of 4 stars; one submission).

Allele frequency attached by ClinVar (database versions not stated): gnomAD exomes below 0.00001.

Submission:

Labcorp Genetics (formerly Invitae), Labcorp
Classification: Uncertain significance. Last evaluated: 2025-10-15. Review status: criteria provided, single submitter. Criteria: Invitae Variant Classification Sherloc (09022015). Collection method: clinical testing. Allele origin: germline.
Comment: This sequence change replaces lysine, which is basic and polar, with arginine, which is basic and polar, at codon 525 of the CTNNA1 protein (p.Lys525Arg). This variant is not present in population databases (gnomAD no frequency). This variant has not been reported in the literature in individuals affected with CTNNA1-related conditions. ClinVar contains an entry for this variant (Variation ID: 1040733). Invitae Evidence Modeling of protein sequence and biophysical properties (such as structural, functional, and spatial information, amino acid conservation, physicochemical variation, residue mobility, and thermodynamic stability) indicates that this missense variant is not expected to disrupt CTNNA1 protein function with a negative predictive value of 80%. In summary, the available evidence is currently insufficient to determine the role of this variant in disease. Therefore, it has been classified as a Variant of Uncertain Significance.

NM_001903.5(CTNNA1):c.1574A>G (p.Lys525Arg)

Gene: CTNNA1 (catenin alpha 1; plus strand). Cytogenetic location: 5q31.2.
Variant type: single nucleotide variant.
Coding change: c.1574A>G on transcript NM_001903.5 (MANE Select); coding-DNA position 1574, A replaced by G.
Protein change: p.Lys525Arg; replaces lysine 525 with arginine.
Molecular consequence: missense variant.
Genome position (GRCh38, 1-based): chr5:138,924,537, A>G. VCF-style: chr5-138924537-A-G. GRCh37 (hg19) VCF-style: chr5-138260226-A-G.
Other names: c.1574A>G, p.Lys525Arg (NM_001290307.3, NM_001323982.2, NM_001323983.1 and 2 more transcripts); c.1265A>G, p.Lys422Arg (NM_001290309.3); c.1205A>G, p.Lys402Arg (NM_001290310.3); c.464A>G, p.Lys155Arg (NM_001290312.1, NM_001323987.1, NM_001323988.1 and 17 more transcripts); c.1481A>G, p.Lys494Arg (NM_001323986.2); c.125A>G, p.Lys42Arg (NM_001324006.1, NM_001324007.1, NM_001324008.1 and 2 more transcripts); c.371A>G, p.Lys124Arg (NM_001324011.1); c.221A>G, p.Lys74Arg (NM_001324012.1, NM_001324013.1); short protein forms K42R, K525R, K155R, K494R, K74R, K124R, K422R, K402R.
Identifiers: ClinVar variation 1040733 (VCV001040733.9), dbSNP rs1763595994, ClinGen allele CA361131737.